The following is an entry in ClinVar:

ClinVar aggregate classification (germline): Benign/Likely benign. Review status: criteria provided, multiple submitters, no conflicts (2 of 4 stars). 5 submissions from 5 submitters: Benign (2); Likely benign (3). Last evaluated 2026-06-01.

Conditions:
Inborn genetic diseases. Identifiers: MedGen C0950123, MeSH D030342.
ARID1B-Related Disorder. Identifiers: MedGen CN381337.

Allele frequency attached by ClinVar (database versions not stated): ESP Exome Variant Server 0.00008; gnomAD exomes 0.00021 and 0.00047; ExAC 0.00050.
gnomAD v4.1: 135 of 1,612,474 alleles (0.0084%); highest among the groups gnomAD compares: Admixed American, 0.22%; no homozygotes.

Submissions (5):

CeGaT Center for Human Genetics Tuebingen
Classification: Likely benign. Last evaluated: 2026-06-01. Review status: criteria provided, single submitter. Criteria: CeGaT Center For Human Genetics Tuebingen Variant Classification Criteria Version 2. Collection method: clinical testing. Allele origin: germline. Affected: yes. Observed: 2 variant alleles.
Comment: ARID1B: BP4, BS1

Labcorp Genetics (formerly Invitae), Labcorp
Classification: Benign. Last evaluated: 2025-12-24. Review status: criteria provided, single submitter. Criteria: Invitae Variant Classification Sherloc (09022015). Collection method: clinical testing. Allele origin: germline.

PreventionGenetics, part of Exact Sciences
Classification: Likely benign for ARID1B-related condition. Last evaluated: 2024-11-06. Review status: criteria provided, single submitter. Criteria: ACMG Guidelines, 2015. Collection method: clinical testing. Allele origin: germline.
Comment: This variant is classified as likely benign based on ACMG/AMP sequence variant interpretation guidelines (Richards et al. 2015 PMID: 25741868, with internal and published modifications).

GeneDx
Classification: Benign. Last evaluated: 2020-02-19. Review status: criteria provided, single submitter. Criteria: GeneDx Variant Classification Process June 2021. Collection method: clinical testing. Allele origin: germline. Affected: yes.

Ambry Genetics
Classification: Likely benign for Inborn genetic diseases. Last evaluated: 2017-09-06. Review status: criteria provided, single submitter. Criteria: Ambry Variant Classification Scheme 2023. Collection method: clinical testing. Allele origin: germline.

NM_001374828.1(ARID1B):c.3507G>A (p.Lys1169=)

Gene: ARID1B (AT-rich interaction domain 1B; plus strand). Cytogenetic location: 6q25.3.
Variant type: single nucleotide variant.
Coding change: c.3507G>A on transcript NM_001374828.1 (MANE Select); coding-DNA position 3507, G replaced by A.
Protein change: p.Lys1169=; no amino-acid change (lysine 1169 retained).
Molecular consequence: synonymous variant.
Genome position (GRCh38, 1-based): chr6:157,180,971, G>A. VCF-style: chr6-157180971-G-A. GRCh37 (hg19) VCF-style: chr6-157502105-G-A.
Other names: c.3138G>A (NM_020732.3); c.1008G>A, p.Lys336= (NM_001363725.2); c.3387G>A, p.Lys1129= (NM_001371656.1, NM_001374820.1); c.3348G>A, p.Lys1116= (NM_017519.3).
Identifiers: ClinVar variation 1253413 (VCV001253413.18), dbSNP rs373653398, ClinGen allele CA4067339.